The following is an entry in ClinVar:

ClinVar aggregate classification (germline): Uncertain significance (1 of 4 stars; one submission).

Conditions:
Osteogenesis imperfecta type 8 (OI8). Identifiers: MedGen C1970458, MONDO:0012581, OMIM 610915.

Submission:

Labcorp Genetics (formerly Invitae), Labcorp
Classification: Uncertain significance for Osteogenesis imperfecta type 8. Last evaluated: 2020-06-12. Review status: criteria provided, single submitter. Criteria: Invitae Variant Classification Sherloc (09022015). Collection method: clinical testing. Allele origin: germline.
Comment: This sequence change replaces phenylalanine with leucine at codon 140 of the P3H1 protein (p.Phe140Leu). The phenylalanine residue is highly conserved and there is a small physicochemical difference between phenylalanine and leucine. This variant is not present in population databases (ExAC no frequency). This variant has not been reported in the literature in individuals with P3H1-related conditions. Algorithms developed to predict the effect of missense changes on protein structure and function are either unavailable or do not agree on the potential impact of this missense change (SIFT: "Deleterious"; PolyPhen-2: "Benign"; Align-GVGD: "Class C0"). In summary, the available evidence is currently insufficient to determine the role of this variant in disease. Therefore, it has been classified as a Variant of Uncertain Significance.

NM_022356.4(P3H1):c.420C>G (p.Phe140Leu)

Gene: P3H1 (prolyl 3-hydroxylase 1; minus strand). Cytogenetic location: 1p34.2.
Variant type: single nucleotide variant.
Coding change: c.420C>G on transcript NM_022356.4 (MANE Select); coding-DNA position 420, C replaced by G.
Protein change: p.Phe140Leu; replaces phenylalanine 140 with leucine.
Molecular consequence: missense variant.
Genome position (GRCh38, 1-based): chr1:42,766,552, G>C on the plus strand (C>G on the coding strand, the complement: P3H1 is on the minus strand). VCF-style: chr1-42766552-G-C. GRCh37 (hg19) VCF-style: chr1-43232223-G-C.
Other names: c.420C>G, p.Phe140Leu (NM_001146289.2, NM_001243246.2); short protein forms F140L.
Identifiers: ClinVar variation 1056334 (VCV001056334.9), dbSNP rs1027100537, ClinGen allele CA339963469.
Genomic context (GRCh38, chr1:42,766,552, plus strand): 5'-CAGGCAGGTCTGCACCTTGAAGTAGGCGACCTGCAGGTAGTTGTAGGGGCTCCGCTTGCG[G>C]AACTCCAGCTCCATCTCTTCGCTGAGCGAGTGGGCGGCCGGCGGCCCGAGGCAGCGGCGC-3'
Protein context (NP_071751.3, residues 130-150): HSLSEEMELE[Phe140Leu]RKRSPYNYLQ